The following is an entry in ClinVar:

ClinVar aggregate classification (germline): Uncertain significance. Review status: criteria provided, multiple submitters, no conflicts (2 of 4 stars). 3 submissions from 3 submitters: Uncertain significance (3). Last evaluated 2025-03-22.

Conditions:
Inborn genetic diseases. Identifiers: MedGen C0950123, MeSH D030342.
Donnai-Barrow syndrome. Also called: DBS/FOAR SYNDROME; FACIOOCULOACOUSTICORENAL SYNDROME. Identifiers: Orphanet 2143, MedGen C1857277, MONDO:0009104, OMIM 222448.

Allele frequency attached by ClinVar (database versions not stated): ExAC 0.00001; gnomAD 0.00001; gnomAD exomes 0.00001 and 0.00002; TOPMed 0.00001.

Submissions (3):

Ambry Genetics
Classification: Uncertain significance for Inborn genetic diseases. Last evaluated: 2025-03-22. Review status: criteria provided, single submitter. Criteria: Ambry Variant Classification Scheme 2023. Collection method: clinical testing. Allele origin: germline.

Labcorp Genetics (formerly Invitae), Labcorp
Classification: Uncertain significance. Last evaluated: 2022-11-01. Review status: criteria provided, single submitter. Criteria: Invitae Variant Classification Sherloc (09022015). Collection method: clinical testing. Allele origin: germline.
Comment: This sequence change replaces methionine, which is neutral and non-polar, with threonine, which is neutral and polar, at codon 3672 of the LRP2 protein (p.Met3672Thr). This variant is present in population databases (rs760404717, gnomAD 0.004%). This variant has not been reported in the literature in individuals affected with LRP2-related conditions. ClinVar contains an entry for this variant (Variation ID: 1481615). Algorithms developed to predict the effect of missense changes on protein structure and function (SIFT, PolyPhen-2, Align-GVGD) all suggest that this variant is likely to be tolerated. In summary, the available evidence is currently insufficient to determine the role of this variant in disease. Therefore, it has been classified as a Variant of Uncertain Significance.

Fulgent Genetics
Classification: Uncertain significance for Donnai-Barrow syndrome. Last evaluated: 2021-12-02. Review status: criteria provided, single submitter. Criteria: ACMG Guidelines, 2015. Collection method: clinical testing. Allele origin: unknown.

NM_004525.3(LRP2):c.11015T>C (p.Met3672Thr)

Gene: LRP2 (LDL receptor related protein 2; minus strand). Cytogenetic location: 2q31.1.
Variant type: single nucleotide variant.
Coding change: c.11015T>C on transcript NM_004525.3 (MANE Select); coding-DNA position 11015, T replaced by C.
Protein change: p.Met3672Thr; replaces methionine 3672 with threonine.
Molecular consequence: missense variant.
Genome position (GRCh38, 1-based): chr2:169,173,224, A>G on the plus strand (T>C on the coding strand, the complement: LRP2 is on the minus strand). VCF-style: chr2-169173224-A-G. GRCh37 (hg19) VCF-style: chr2-170029734-A-G.
Other names: c.11015T>C (NM_004525.2); short protein forms M3672T.
Identifiers: ClinVar variation 1481615 (VCV001481615.5), dbSNP rs760404717, ClinGen allele CA1953183.
Genomic context (GRCh38, chr2:169,173,224, plus strand): 5'-CAGCGGTAATTTGTTTTGCAGCTGAATTCTGTGAAGTTGTCACAGAGATGGGCAGAGCTC[A>G]CTGAAAAGGGAGGAGGCATCAAAGTCAGAACTGAAGGTACAAGAAAGCACCTTTCCATTG-3'
Protein context (NP_004516.2, residues 3662-3682): DHSDEPIEEC[Met3672Thr]SSAHLCDNFT